The following is an entry in ClinVar:

ClinVar aggregate classification (germline): Likely pathogenic (1 of 4 stars; one submission).

Conditions:
Short philtrum. Identifiers: MedGen C1861324, HP:0000322.
Generalized-onset seizure. Also called: Generalized seizures. Identifiers: MedGen C0234533, HP:0002197.
Focal-onset seizure. Also called: Focal seizures. Identifiers: MedGen C0751495, HP:0007359.
Inversion of nipple. Also called: MAMMILLAE INVERTITAE; Nipples inverted. Identifiers: MedGen C0269269, MONDO:0008100, OMIM 163600, HP:0003186.
Epicanthus. Also called: Epicanthal fold. Identifiers: MedGen C0678230, OMIM 131500, HP:0000286.
Atypical behavior. Also called: Behavioral abnormality; Behavioral disorders. Identifiers: MedGen C0004941, HP:0000708.
Pes planus. Also called: flatfoot; Flat feet. Identifiers: MedGen C0016202, MONDO:0005293, HP:0001763.
Macrocephaly. Also called: Macrocephalus; large head. Identifiers: MedGen C2243051, HP:0000256.
Cerebellar ataxia. Identifiers: Orphanet 102002, MedGen C0007758, MONDO:0000437.
Moderate global developmental delay. Identifiers: MedGen C2237142, HP:0011343.
Hypermetropia. Also called: Hyperopia. Identifiers: MedGen C0020490, MONDO:0004891, HP:0000540.

Submission:

Institute of Human Genetics, University of Leipzig Medical Center
Classification: Likely pathogenic for Macrocephaly; Epicanthus; Short philtrum; Hypermetropia; Atypical behavior; Ataxia; Pes planus; Generalized-onset seizure; Inversion of nipple; Focal-onset seizure; Moderate global developmental delay. Last evaluated: 2023-01-31. Review status: criteria provided, single submitter. Criteria: ACMG Guidelines, 2015. Collection method: clinical testing. Allele origin: de novo. Affected: yes.
Comment: This variant was identified as de novo (maternity and paternity confirmed)._x000D_ Criteria applied: PS2_MOD, PM5, PM2_SUP, PP2, PP3 At the affected amino acid position, another amino acid substitution is already described as pathogenic in the databases for disease-causing variants and in the literature (PM5,c.1366G>C; (p.Val456Leu), Salpietro et al., 2022, PMID: 36318112)

NM_002235.5(KCNA6):c.1367T>A (p.Val456Asp)

Genes: KCNA6 (potassium voltage-gated channel subfamily A member 6; plus strand), KCNA6-AS1 (KCNA6 antisense RNA 1; minus strand). Cytogenetic location: 12p13.32.
Variant type: single nucleotide variant.
Coding change: c.1367T>A on transcript NM_002235.5 (MANE Select); coding-DNA position 1367, T replaced by A.
Protein change: p.Val456Asp; replaces valine 456 with aspartic acid.
Molecular consequence: missense variant. On other transcripts: non-coding transcript variant (3).
Genome position (GRCh38, 1-based): chr12:4,811,408, T>A. VCF-style: chr12-4811408-T-A. GRCh37 (hg19) VCF-style: chr12-4920574-T-A.
Other names: c.1367T>A, p.Val456Asp (NM_001395212.1, NM_001395213.1); short protein forms V456D.
Identifiers: ClinVar variation 2430245 (VCV002430245.1), dbSNP rs2497227200, ClinGen allele CA383442592.